The following is an entry in ClinVar:

ClinVar aggregate classification (germline): Uncertain significance (1 of 4 stars; one submission).

Conditions:
Angelman syndrome (AS). Also called: HAPPY PUPPET SYNDROME. Identifiers: Orphanet 72, MedGen C0162635, MONDO:0007113, OMIM 105830. Disease mechanism: loss of function. Inheritance: AS is caused by disruption of maternally imprinted UBE3A located within the 15q11.2-q13 Angelman syndrome/Prader-Willi syndrome (AS/PWS) region., imprinting disorder.

Submission:

Labcorp Genetics (formerly Invitae), Labcorp
Classification: Uncertain significance for Angelman syndrome. Last evaluated: 2022-07-26. Review status: criteria provided, single submitter. Criteria: Invitae Variant Classification Sherloc (09022015). Collection method: clinical testing. Allele origin: germline.
Comment: In summary, the available evidence is currently insufficient to determine the role of this variant in disease. Therefore, it has been classified as a Variant of Uncertain Significance. Algorithms developed to predict the effect of missense changes on protein structure and function are either unavailable or do not agree on the potential impact of this missense change (SIFT: "Not Available"; PolyPhen-2: "Benign"; Align-GVGD: "Not Available"). ClinVar contains an entry for this variant (Variation ID: 1006109). This missense change has been observed in individual(s) with clinical features of Angelman syndrome (Invitae). This variant is not present in population databases (gnomAD no frequency). This sequence change replaces phenylalanine, which is neutral and non-polar, with isoleucine, which is neutral and non-polar, at codon 286 of the UBE3A protein (p.Phe286Ile).

NM_130839.5(UBE3A):c.916T>A (p.Phe306Ile)

Genes: SNHG14 (small nucleolar RNA host gene 14; plus strand), UBE3A (ubiquitin protein ligase E3A; minus strand). Cytogenetic location: 15q11.2.
Variant type: single nucleotide variant.
Coding change: c.916T>A on transcript NM_130839.5 (MANE Select); coding-DNA position 916, T replaced by A.
Protein change: p.Phe306Ile; replaces phenylalanine 306 with isoleucine.
Molecular consequence: missense variant. On other transcripts: non-coding transcript variant (1), intron variant (2).
Genome position (GRCh38, 1-based): chr15:25,371,258, A>T on the plus strand (T>A on the coding strand, the complement: UBE3A is on the minus strand). VCF-style: chr15-25371258-A-T. GRCh37 (hg19) VCF-style: chr15-25616405-A-T.
Other names: c.856T>A, p.Phe286Ile (NM_001354549.2, NM_001374461.1, NM_130838.4 and 17 more transcripts); c.301+4207T>A (NM_001354551.2); c.361+4207T>A (NM_001354550.2); c.916T>A, p.Phe306Ile (NM_001354545.2, NM_001354505.1, NM_001354538.2); c.739T>A, p.Phe247Ile (NM_001354546.2); c.925T>A, p.Phe309Ile (NM_000462.5); short protein forms F247I, F286I, F306I, F309I.
Identifiers: ClinVar variation 1006109 (VCV001006109.10), dbSNP rs2080257342, ClinGen allele CA391354783.